The following is an entry in ClinVar:

NM_006015.6(ARID1A):c.3436_3444dup (p.Gln1148_Ser1149insThrProGln)

Genes: ARID1A (AT-rich interaction domain 1A; plus strand), LOC126805670 (CDK7 strongly-dependent group 2 enhancer GRCh37_chr1:27098665-27099864; plus strand). Cytogenetic location: 1p36.11.
Variant type: Duplication.
Coding change: c.3436_3444dup on transcript NM_006015.6 (MANE Select); coding-DNA positions 3436 to 3444, 9 bases duplicated (ACTCCCCAG; older notation c.3436_3444dupACTCCCCAG).
Protein change: p.Gln1148_Ser1149insThrProGln.
Genome position (GRCh38, 1-based): chr1:26,772,529-26,772,537, ACTCCCCAG duplicated; duplicating any 9 consecutive bases within chr1:26,772,523-26,772,537 gives the same sequence; the c. name uses the placement nearest the transcript's 3' end. VCF-style (leftmost placement, unchanged base first): chr1-26772522-G-GCCCCAGACT. GRCh37 (hg19) VCF-style: chr1-27099013-G-GCCCCAGACT.
Other names: c.3436_3444dup, p.Gln1148_Ser1149insThrProGln (NM_139135.4).
Identifiers: ClinVar variation 3675217 (VCV003675217.2).

ClinVar aggregate classification (germline): Uncertain significance (1 of 4 stars; one submission).

Submission:

Labcorp Genetics (formerly Invitae), Labcorp
Classification: Uncertain significance. Last evaluated: 2025-02-09. Review status: criteria provided, single submitter. Criteria: Invitae Variant Classification Sherloc (09022015). Collection method: clinical testing. Allele origin: germline.
Comment: This variant, c.3436_3444dup, results in the insertion of 3 amino acid(s) of the ARID1A protein (p.Thr1146_Gln1148dup), but otherwise preserves the integrity of the reading frame. This variant is present in population databases (no rsID available, gnomAD 0.007%). This variant has not been reported in the literature in individuals affected with ARID1A-related conditions. In summary, the available evidence is currently insufficient to determine the role of this variant in disease. Therefore, it has been classified as a Variant of Uncertain Significance.